The following is an entry in ClinVar:

NM_005334.3(HCFC1):c.3375G>A (p.Ser1125=)

Gene: HCFC1 (host cell factor C1; minus strand). Cytogenetic location: Xq28.
Variant type: single nucleotide variant.
Coding change: c.3375G>A on transcript NM_005334.3 (MANE Select); coding-DNA position 3375, G replaced by A.
Protein change: p.Ser1125=; no amino-acid change (serine 1125 retained).
Molecular consequence: synonymous variant.
Genome position (GRCh38, 1-based): chrX:153,955,024, C>T on the plus strand (G>A on the coding strand, the complement: HCFC1 is on the minus strand). VCF-style: chrX-153955024-C-T. GRCh37 (hg19) VCF-style: chrX-153220475-C-T.
Other names: c.3375G>A, p.Ser1125= (NM_001410705.1).
Identifiers: ClinVar variation 2919402 (VCV002919402.8), dbSNP rs960541644, ClinGen allele CA337253866.

ClinVar aggregate classification (germline): Likely benign. Review status: criteria provided, multiple submitters, no conflicts (2 of 4 stars). 2 submissions from 2 submitters: Likely benign (2). Last evaluated 2025-12-01.

Conditions:
Methylmalonic acidemia with homocystinuria, type cblX (MAHCX). Also called: INTELLECTUAL DEVELOPMENTAL DISORDER, X-LINKED 3. Identifiers: Orphanet 369962, MedGen C0796208, MONDO:0010657, OMIM 309541.

Allele frequency attached by ClinVar (database versions not stated): TOPMed below 0.00001; gnomAD 0.00001.
gnomAD v4.1: 12 of 1,208,309 alleles (0.00099%); highest among the groups gnomAD compares: South Asian, 0.0018%; no homozygotes.

Submissions (2):

CeGaT Center for Human Genetics Tuebingen
Classification: Likely benign. Last evaluated: 2025-12-01. Review status: criteria provided, single submitter. Criteria: CeGaT Center For Human Genetics Tuebingen Variant Classification Criteria Version 2. Collection method: clinical testing. Allele origin: germline. Affected: yes. Observed: 1 variant allele.
Comment: HCFC1: BP4, BP7, BS2

Labcorp Genetics (formerly Invitae), Labcorp
Classification: Likely benign for Methylmalonic acidemia with homocystinuria, type cblX. Last evaluated: 2023-05-19. Review status: criteria provided, single submitter. Criteria: Invitae Variant Classification Sherloc (09022015). Collection method: clinical testing. Allele origin: germline.